The following is an entry in ClinVar:

NM_003743.5(NCOA1):c.2019A>G (p.Gly673=)

Gene: NCOA1 (nuclear receptor coactivator 1; plus strand). Cytogenetic location: 2p23.3.
Variant type: single nucleotide variant.
Coding change: c.2019A>G on transcript NM_003743.5 (MANE Select); coding-DNA position 2019, A replaced by G.
Protein change: p.Gly673=; no amino-acid change (glycine 673 retained).
Molecular consequence: synonymous variant.
Genome position (GRCh38, 1-based): chr2:24,707,489, A>G. VCF-style: chr2-24707489-A-G. GRCh37 (hg19) VCF-style: chr2-24930358-A-G.
Other names: c.2019A>G, p.Gly673= (NM_001362950.1, NM_001362952.1, NM_001362954.1 and 3 more transcripts).
Identifiers: ClinVar variation 4986586 (VCV004986586.1).

ClinVar aggregate classification (germline): Likely benign (1 of 4 stars; one submission).

Conditions:
NCOA1-related disorder. Also called: NCOA1-related condition.

gnomAD v4.1: 5 of 1,614,182 alleles (0.00031%); highest among the groups gnomAD compares: Non-Finnish European, 0.00025%; no homozygotes.

Submission:

PreventionGenetics, part of Exact Sciences
Classification: Likely benign for NCOA1-related condition. Last evaluated: 2024-12-31. Review status: criteria provided, single submitter. Criteria: ACMG Guidelines, 2015. Collection method: clinical testing. Allele origin: germline.
Comment: This variant is classified as likely benign based on ACMG/AMP sequence variant interpretation guidelines (Richards et al. 2015 PMID: 25741868, with internal and published modifications).